The following is an entry in ClinVar:

NM_000642.3(AGL):c.1427C>A (p.Ser476Ter)

Gene: AGL (amylo-alpha-1,6-glucosidase and 4-alpha-glucanotransferase; plus strand). Cytogenetic location: 1p21.2.
Variant type: single nucleotide variant.
Coding change: c.1427C>A on transcript NM_000642.3 (MANE Select); coding-DNA position 1427, C replaced by A.
Protein change: p.Ser476Ter; replaces serine 476 with a stop codon.
Molecular consequence: nonsense.
Genome position (GRCh38, 1-based): chr1:99,877,644, C>A. VCF-style: chr1-99877644-C-A. GRCh37 (hg19) VCF-style: chr1-100343200-C-A.
Other names: c.1427C>A, p.Ser476Ter (NM_000028.3, NM_000643.3, NM_000644.3 and 2 more transcripts); c.1379C>A, p.Ser460Ter (NM_000646.3); c.1226C>A, p.Ser409Ter (NM_001425327.1); c.1223C>A, p.Ser408Ter (NM_001425328.1, NM_001425329.1); c.1049C>A, p.Ser350Ter (NM_001425332.1); short protein forms S460*, S476*, S350*, S408*, S409*.
Identifiers: ClinVar variation 1725006 (VCV001725006.2), dbSNP rs2524620234, ClinGen allele CA341314476.
Genomic context (GRCh38, chr1:99,877,644, plus strand): 5'-AGTAATTGTTTTCATTTTATTTCTTGAACCATTGAAAGCAATCTCTTTTCTGAACAGGTT[C>A]AGAAGTTTACCTAAGGAGAGAACTTATTTGCTGGGGAGACAGTGTTAAATTACGCTATGG-3'

ClinVar aggregate classification (germline): Likely pathogenic (1 of 4 stars; one submission).

Conditions:
Glycogen storage disease type III (GSD3). Also called: FORBES DISEASE; Cori disease. Identifiers: Orphanet 366, MedGen C0017922, MONDO:0009291, OMIM 232400.

Submission:

Myriad Genetics, Inc.
Classification: Likely pathogenic for Glycogen storage disease type III. Last evaluated: 2022-03-04. Review status: criteria provided, single submitter. Criteria: Myriad Women's Health Autosomal Recessive and X-Linked Classification Criteria (2021). Collection method: clinical testing. Allele origin: unknown.
Comment: NM_000642.2(AGL):c.1427C>A(S476*) is expected to be pathogenic in the context of glycogen storage disease type III. This variant is predicted to lead to an abnormal or absent protein product due to the creation of a premature termination codon in AGL, a gene where loss-of-function variants are known to be pathogenic. Please note: this variant was assessed in the context of healthy population screening.